The following is an entry in ClinVar:

ClinVar aggregate classification (germline): Uncertain significance. Review status: criteria provided, multiple submitters, no conflicts (2 of 4 stars). 2 submissions from 2 submitters: Uncertain significance (2). Last evaluated 2024-09-10.

Submissions (2):

Blueprint Genetics
Classification: Uncertain significance. Last evaluated: 2024-09-10. Review status: criteria provided, single submitter. Criteria: ACMG Guidelines, 2015. Collection method: clinical testing. Allele origin: germline.

Labcorp Genetics (formerly Invitae), Labcorp
Classification: Uncertain significance. Last evaluated: 2022-11-01. Review status: criteria provided, single submitter. Criteria: Invitae Variant Classification Sherloc (09022015). Collection method: clinical testing. Allele origin: germline.
Comment: In summary, the available evidence is currently insufficient to determine the role of this variant in disease. Therefore, it has been classified as a Variant of Uncertain Significance. Experimental studies and prediction algorithms are not available or were not evaluated, and the functional significance of this variant is currently unknown. ClinVar contains an entry for this variant (Variation ID: 1427177). This variant has not been reported in the literature in individuals affected with PCARE-related conditions. This variant is not present in population databases (gnomAD no frequency). This variant, c.1725_1727del, results in the deletion of 1 amino acid(s) of the PCARE protein (p.Pro576del), but otherwise preserves the integrity of the reading frame.

NM_001029883.3(PCARE):c.1725_1727del (p.Pro576del)

Gene: PCARE (photoreceptor cilium actin regulator; minus strand). Cytogenetic location: 2p23.2.
Variant type: Deletion.
Coding change: c.1725_1727del on transcript NM_001029883.3 (MANE Select); coding-DNA positions 1725 to 1727, 3 bases deleted (CCC; older notation c.1725_1727delCCC).
Protein change: p.Pro576del; deletes proline 576.
Molecular consequence: inframe deletion.
Genome position (GRCh38, 1-based): chr2:29,072,535-29,072,537, GGG deleted on the plus strand (CCC on the coding strand, the reverse complement: PCARE is on the minus strand); deleting any 3 consecutive bases within chr2:29,072,535-29,072,540 gives the same sequence; the c. name uses the placement nearest the transcript's 3' end. VCF-style (leftmost placement, unchanged base first): chr2-29072534-TGGG-T. GRCh37 (hg19) VCF-style: chr2-29295400-TGGG-T.
Other names: short protein forms P576del.
Identifiers: ClinVar variation 1427177 (VCV001427177.7), dbSNP rs1341882335, ClinGen allele CA767532062.